The following is an entry in ClinVar:

ClinVar aggregate classification (germline): Uncertain significance. Review status: criteria provided, multiple submitters, no conflicts (2 of 4 stars). 2 submissions from 2 submitters: Uncertain significance (2). Last evaluated 2025-04-25.

Conditions:
Inborn genetic diseases. Identifiers: MedGen C0950123, MeSH D030342.
Charcot-Marie-Tooth disease type 2. Also called: Charcot-Marie-Tooth type 2. Identifiers: Orphanet 64746, MedGen C0270914, MONDO:0018993.

Allele frequency attached by ClinVar (database versions not stated): gnomAD exomes 0.00001 and below 0.00001; TOPMed 0.00001; gnomAD 0.00002.
gnomAD v4.1: 10 of 1,613,054 alleles (0.00062%); highest among the groups gnomAD compares: Admixed American, 0.0017%; no homozygotes.

Submissions (2):

Ambry Genetics
Classification: Uncertain significance for Inborn genetic diseases. Last evaluated: 2025-04-25. Review status: criteria provided, single submitter. Criteria: Ambry Variant Classification Scheme 2023. Collection method: clinical testing. Allele origin: germline.

Labcorp Genetics (formerly Invitae), Labcorp
Classification: Uncertain significance for Charcot-Marie-Tooth disease type 2. Last evaluated: 2023-06-23. Review status: criteria provided, single submitter. Criteria: Invitae Variant Classification Sherloc (09022015). Collection method: clinical testing. Allele origin: germline.
Comment: This sequence change replaces valine, which is neutral and non-polar, with alanine, which is neutral and non-polar, at codon 147 of the BSCL2 protein (p.Val147Ala). This variant is present in population databases (no rsID available, gnomAD 0.002%). This variant has not been reported in the literature in individuals affected with BSCL2-related conditions. ClinVar contains an entry for this variant (Variation ID: 575066). Algorithms developed to predict the effect of missense changes on protein structure and function output the following: SIFT: "Not Available"; PolyPhen-2: "Benign"; Align-GVGD: "Not Available". The alanine amino acid residue is found in multiple mammalian species, which suggests that this missense change does not adversely affect protein function. In summary, the available evidence is currently insufficient to determine the role of this variant in disease. Therefore, it has been classified as a Variant of Uncertain Significance.

NM_001122955.4(BSCL2):c.632T>C (p.Val211Ala)

Genes: BSCL2 (BSCL2 lipid droplet biogenesis associated, seipin; minus strand), HNRNPUL2-BSCL2 (HNRNPUL2-BSCL2 readthrough (NMD candidate); minus strand). Cytogenetic location: 11q12.3.
Variant type: single nucleotide variant.
Coding change: c.632T>C on transcript NM_001122955.4 (MANE Select); coding-DNA position 632, T replaced by C.
Protein change: p.Val211Ala; replaces valine 211 with alanine.
Molecular consequence: missense variant. On other transcripts: non-coding transcript variant (1).
Genome position (GRCh38, 1-based): chr11:62,692,796, A>G on the plus strand (T>C on the coding strand, the complement: BSCL2 is on the minus strand). VCF-style: chr11-62692796-A-G. GRCh37 (hg19) VCF-style: chr11-62460268-A-G.
Other names: c.440T>C, p.Val147Ala (NM_001130702.2, NM_032667.6); c.632T>C, p.Val211Ala (NM_001386027.1, NM_001386028.1); short protein forms V147A, V211A.
Identifiers: ClinVar variation 575066 (VCV000575066.10), dbSNP rs1291966839, ClinGen allele CA380963539.